The following is an entry in ClinVar:

ClinVar aggregate classification (germline): Conflicting classifications of pathogenicity. Review status: criteria provided, conflicting classifications (1 of 4 stars). 7 submissions from 7 submitters: Uncertain significance (6); Likely benign (1). Last evaluated 2025-09-12.

Conditions:
Hereditary cancer-predisposing syndrome. Also called: Tumor predisposition; Neoplastic Syndromes, Hereditary; Hereditary Cancer Syndrome; Hereditary neoplastic syndrome. Identifiers: Orphanet 140162, MedGen C0027672, MeSH D009386, MONDO:0015356.
Tuberous sclerosis syndrome (TSC). Also called: Tuberous Sclerosis Complex; Tuberous sclerosis. Identifiers: Orphanet 805, MedGen C0041341, MONDO:0001734.
Tuberous sclerosis 1 (TSC1). Identifiers: Orphanet 805, MedGen C1854465, MONDO:0008612, OMIM 191100.

gnomAD v4.1: 13 of 1,614,210 alleles (0.00081%); highest among the groups gnomAD compares: East Asian, 0.027%; no homozygotes.

Submissions (7):

Ambry Genetics
Classification: Uncertain significance for Hereditary cancer-predisposing syndrome. Last evaluated: 2025-09-12. Review status: criteria provided, single submitter. Criteria: Ambry Variant Classification Scheme 2023. Collection method: clinical testing. Allele origin: germline.
Comment: The p.D15N variant (also known as c.43G>A), located in coding exon 1 of the TSC1 gene, results from a G to A substitution at nucleotide position 43. The aspartic acid at codon 15 is replaced by asparagine, an amino acid with highly similar properties. This amino acid position is well conserved in available vertebrate species. In addition, the in silico prediction for this alteration is inconclusive. Since supporting evidence is limited at this time, the clinical significance of this alteration remains unclear.

Labcorp Genetics (formerly Invitae), Labcorp
Classification: Uncertain significance for Tuberous sclerosis 1. Last evaluated: 2025-04-29. Review status: criteria provided, single submitter. Criteria: Invitae Variant Classification Sherloc (09022015). Collection method: clinical testing. Allele origin: germline.
Comment: This sequence change replaces aspartic acid, which is acidic and polar, with asparagine, which is neutral and polar, at codon 15 of the TSC1 protein (p.Asp15Asn). This variant is not present in population databases (gnomAD no frequency). This missense change has been observed in individual(s) with tuberous sclerosis complex (PMID: 36232477). ClinVar contains an entry for this variant (Variation ID: 486562). Invitae Evidence Modeling of protein sequence and biophysical properties (such as structural, functional, and spatial information, amino acid conservation, physicochemical variation, residue mobility, and thermodynamic stability) indicates that this missense variant is not expected to disrupt TSC1 protein function with a negative predictive value of 95%. In summary, the available evidence is currently insufficient to determine the role of this variant in disease. Therefore, it has been classified as a Variant of Uncertain Significance.

Quest Diagnostics Nichols Institute San Juan Capistrano
Classification: Uncertain significance. Last evaluated: 2025-02-11. Review status: criteria provided, single submitter. Criteria: Quest Diagnostics criteria. Collection method: clinical testing. Allele origin: unknown.

All of Us Research Program, National Institutes of Health
Classification: Uncertain significance for Tuberous sclerosis syndrome. Last evaluated: 2023-06-26. Review status: criteria provided, single submitter. Criteria: ACMG Guidelines, 2015. Collection method: clinical testing. Allele origin: germline. Inheritance: Autosomal dominant inheritance. Observed: 1 variant allele, 1 heterozygote.
Comment: This missense variant replaces aspartic acid with asparagine at codon 15 of the TSC1 protein. Computational prediction suggests that this variant may not impact protein structure and function (internally defined REVEL score threshold <= 0.5, PMID: 27666373). To our knowledge, functional studies have not been reported for this variant. This variant has been reported in individuals affected with tuberous sclerosis complex (PMID: 33486073). This variant has not been identified in the general population by the Genome Aggregation Database (gnomAD). The available evidence is insufficient to determine the role of this variant in disease conclusively. Therefore, this variant is classified as a Variant of Uncertain Significance.

This study involves interpretation of variants in research participants for the purpose of population health screening. Participant phenotype was not available at the time of variant classification. Additional details can be found in publication PMID: 35346344, PMCID: PMC8962531

Genome-Nilou Lab
Classification: Uncertain significance for Tuberous sclerosis 1. Last evaluated: 2021-11-07. Review status: criteria provided, single submitter. Criteria: ACMG Guidelines, 2015. Collection method: clinical testing. Allele origin: germline. Affected: no.

Division of Genomic Medicine, Department of Advanced Medicine, Medical Research Institute, Kanazawa Medical University
Classification: Uncertain significance for Tuberous sclerosis 1. Last evaluated: 2020-07-10. Review status: criteria provided, single submitter. Criteria: ACMG Guidelines, 2015. Collection method: clinical testing. Allele origin: germline. Affected: yes. Observed: 2 variant alleles.

GeneDx
Classification: Likely benign. Last evaluated: 2019-02-25. Review status: criteria provided, single submitter. Criteria: GeneDx Variant Classification Process June 2021. Collection method: clinical testing. Allele origin: germline. Affected: yes.
Comment: See Variant Classification Assertion Criteria.

Literature cited by the submitters: PubMed 36232477 (cited by Labcorp Genetics (formerly Invitae), Labcorp); PubMed 33486073 (cited by All of Us Research Program, National Institutes of Health).

NM_000368.5(TSC1):c.43G>A (p.Asp15Asn)

Gene: TSC1 (TSC complex subunit 1; minus strand). Cytogenetic location: 9q34.13.
Variant type: single nucleotide variant.
Coding change: c.43G>A on transcript NM_000368.5 (MANE Select); coding-DNA position 43, G replaced by A.
Protein change: p.Asp15Asn; replaces aspartic acid 15 with asparagine.
Molecular consequence: missense variant. On other transcripts: 5 prime UTR variant (1).
Genome position (GRCh38, 1-based): chr9:132,928,830, C>T on the plus strand (G>A on the coding strand, the complement: TSC1 is on the minus strand). VCF-style: chr9-132928830-C-T. GRCh37 (hg19) VCF-style: chr9-135804217-C-T.
Other names: c.43G>A, p.Asp15Asn (NM_001162426.2, NM_001162427.2); c.-217G>A (NM_001362177.2); short protein forms D15N.
Identifiers: ClinVar variation 486562 (VCV000486562.19), dbSNP rs1554821020, ClinGen allele CA375375386.